The following is an entry in ClinVar:

ClinVar aggregate classification (germline): Uncertain significance (1 of 4 stars; one submission).

gnomAD v4.1: 2 of 1,614,234 alleles (0.00012%); highest among the groups gnomAD compares: South Asian, 0.0022%; no homozygotes.

Submission:

GeneDx
Classification: Uncertain significance. Last evaluated: 2022-12-14. Review status: criteria provided, single submitter. Criteria: GeneDx Variant Classification Process June 2021. Collection method: clinical testing. Allele origin: germline. Affected: yes.
Comment: Not observed at significant frequency in large population cohorts (gnomAD); In silico analysis supports that this missense variant does not alter protein structure/function; Has not been previously published as pathogenic or benign to our knowledge

NM_001378120.1(MBD5):c.4616G>A (p.Ser1539Asn)

Gene: MBD5 (methyl-CpG binding domain protein 5; plus strand). Cytogenetic location: 2q23.1.
Variant type: single nucleotide variant.
Coding change: c.4616G>A on transcript NM_001378120.1 (MANE Select); coding-DNA position 4616, G replaced by A.
Protein change: p.Ser1539Asn; replaces serine 1539 with asparagine.
Molecular consequence: missense variant.
Genome position (GRCh38, 1-based): chr2:148,490,248, G>A. VCF-style: chr2-148490248-G-A. GRCh37 (hg19) VCF-style: chr2-149247817-G-A.
Other names: c.3917G>A, p.Ser1306Asn (NM_018328.5); short protein forms S1306N, S1539N.
Identifiers: ClinVar variation 2505969 (VCV002505969.1), dbSNP rs749271694, ClinGen allele CA1900445.